The following is an entry in ClinVar:

NM_024422.6(DSC2):c.266C>T (p.Ser89Leu)

Gene: DSC2 (desmocollin 2; minus strand). Cytogenetic location: 18q12.1.
Variant type: single nucleotide variant.
Coding change: c.266C>T on transcript NM_024422.6 (MANE Select); coding-DNA position 266, C replaced by T.
Protein change: p.Ser89Leu; replaces serine 89 with leucine.
Molecular consequence: missense variant.
Genome position (GRCh38, 1-based): chr18:31,092,189, G>A on the plus strand (C>T on the coding strand, the complement: DSC2 is on the minus strand). VCF-style: chr18-31092189-G-A. GRCh37 (hg19) VCF-style: chr18-28672152-G-A.
Other names: c.266C>T, p.Ser89Leu (NM_004949.5); short protein forms S89L.
Identifiers: ClinVar variation 468381 (VCV000468381.19), dbSNP rs141379407, ClinGen allele CA037529.
Genomic context (GRCh38, chr18:31,092,189, plus strand): 5'-ATTTTCTTCTTTTCTTGGTTCTCAGTGTTGGAAAGTAATATGGTAAAACTTCTCTTCTCC[G>A]AGGACAATAGAATAGTATTTGTTGTATAGACTGAACCATCCTCCAAAATTTGGAAGTCAG-3'
Protein context (NP_077740.1, residues 79-99): VYTTNTILLS[Ser89Leu]EKRSFTILLS

ClinVar aggregate classification (germline): Conflicting classifications of pathogenicity. Review status: criteria provided, conflicting classifications (1 of 4 stars). 6 submissions from 6 submitters: Uncertain significance (5); Benign (1). Last evaluated 2024-09-23.

Conditions:
Cardiovascular phenotype. Identifiers: MedGen CN230736.
Familial isolated arrhythmogenic right ventricular dysplasia. Identifiers: Orphanet 217656, MedGen C4274968, MONDO:0016342.
Arrhythmogenic right ventricular dysplasia 11. Also called: Arrhythmogenic Right Ventricular Dysplasia/Cardiomyopathy11; ARRHYTHMOGENIC RIGHT VENTRICULAR DYSPLASIA, FAMILIAL, 11; Arrhythmogenic right ventricular dysplasia 11 with mild palmoplantar keratoderma and woolly hair. Identifiers: MedGen C1864850, MONDO:0012506, OMIM 610476.
Cardiomyopathy (CMYO). Also called: Cardiomyopathies. Identifiers: Orphanet 167848, MedGen C0878544, MONDO:0004994, HP:0001638. Inheritance: Various modes of inheritance.

Allele frequency attached by ClinVar (database versions not stated): gnomAD 0.00006 and 0.00005; ESP Exome Variant Server 0.00023; gnomAD exomes 0.00004 and 0.00008; ExAC 0.00007; TOPMed 0.00004.
gnomAD v4.1: 66 of 1,613,430 alleles (0.0041%); highest among the groups gnomAD compares: Admixed American, 0.022%; no homozygotes.

Submissions (6):

All of Us Research Program, National Institutes of Health
Classification: Uncertain significance for Familial isolated arrhythmogenic right ventricular dysplasia. Last evaluated: 2024-09-23. Review status: criteria provided, single submitter. Criteria: ACMG Guidelines, 2015. Collection method: clinical testing. Allele origin: germline. Inheritance: Autosomal dominant inheritance. Observed: 19 variant alleles, 19 heterozygotes.
Comment: This missense variant replaces serine with leucine at codon 89 of the DSC2 protein. Computational prediction suggests that this variant may not impact protein structure and function (internally defined REVEL score threshold <= 0.5, PMID: 27666373). To our knowledge, functional studies have not been reported for this variant. This variant has been reported in an individual affected with dilated cardiomyopathy (PMID: 21859740), an individual affected with hypertrophic cardiomyopathy (PMID: 25351510), an infant who died of sudden infant death syndrome (PMID: 27435932), and an individual suspected of having dilated cardiomyopathy (PMID: 30847666). This variant has been identified in 24/282254 chromosomes in the general population by the Genome Aggregation Database (gnomAD). The available evidence is insufficient to determine the role of this variant in disease conclusively. Therefore, this variant is classified as a Variant of Uncertain Significance.

This study involves interpretation of variants in research participants for the purpose of population health screening. Participant phenotype was not available at the time of variant classification. Additional details can be found in publication PMID: 35346344, PMCID: PMC8962531

Color Diagnostics, LLC DBA Color Health
Classification: Uncertain significance for Cardiomyopathy. Last evaluated: 2024-07-17. Review status: criteria provided, single submitter. Criteria: ACMG Guidelines, 2015. Collection method: clinical testing. Allele origin: germline.
Comment: This missense variant replaces serine with leucine at codon 89 of the DSC2 protein. Computational prediction suggests that this variant may not impact protein structure and function. To our knowledge, functional studies have not been reported for this variant. This variant has been reported in an individual affected with dilated cardiomyopathy (PMID: 21859740), an individual affected with hypertrophic cardiomyopathy (PMID: 25351510), an infant who died of sudden infant death syndrome (PMID: 27435932), and an individual suspected of having dilated cardiomyopathy (PMID: 30847666). This variant has been identified in 24/282254 chromosomes in the general population by the Genome Aggregation Database (gnomAD). The available evidence is insufficient to determine the role of this variant in disease conclusively. Therefore, this variant is classified as a Variant of Uncertain Significance.

Ambry Genetics
Classification: Benign for Cardiovascular phenotype. Last evaluated: 2024-05-07. Review status: criteria provided, single submitter. Criteria: Ambry Variant Classification Scheme 2023. Collection method: clinical testing. Allele origin: germline.

Labcorp Genetics (formerly Invitae), Labcorp
Classification: Uncertain significance for Arrhythmogenic right ventricular dysplasia 11. Last evaluated: 2023-12-04. Review status: criteria provided, single submitter. Criteria: Invitae Variant Classification Sherloc (09022015). Collection method: clinical testing. Allele origin: germline.
Comment: This sequence change replaces serine, which is neutral and polar, with leucine, which is neutral and non-polar, at codon 89 of the DSC2 protein (p.Ser89Leu). This variant is present in population databases (rs141379407, gnomAD 0.03%). This missense change has been observed in individual(s) with dilated cardiomyopathy (PMID: 21859740). ClinVar contains an entry for this variant (Variation ID: 468381). Advanced modeling of protein sequence and biophysical properties (such as structural, functional, and spatial information, amino acid conservation, physicochemical variation, residue mobility, and thermodynamic stability) performed at Invitae indicates that this missense variant is not expected to disrupt DSC2 protein function with a negative predictive value of 80%. In summary, the available evidence is currently insufficient to determine the role of this variant in disease. Therefore, it has been classified as a Variant of Uncertain Significance.

Fulgent Genetics
Classification: Uncertain significance for Arrhythmogenic right ventricular dysplasia 11. Last evaluated: 2021-08-20. Review status: criteria provided, single submitter. Criteria: ACMG Guidelines, 2015. Collection method: clinical testing. Allele origin: unknown.

GeneDx
Classification: Uncertain significance. Last evaluated: 2021-06-18. Review status: criteria provided, single submitter. Criteria: GeneDx Variant Classification Process June 2021. Collection method: clinical testing. Allele origin: germline. Affected: yes.
Comment: Has been reported in an individual with dilated cardiomyopathy (Garcia-Pavia et al., 2011); In silico analysis supports that this missense variant has a deleterious effect on protein structure/function; Reported in ClinVar as a variant of uncertain significance (ClinVar Variant ID# 468381; Landrum et al., 2016); This variant is associated with the following publications: (PMID: 26582918, 27535533, 21859740)

Literature cited by the submitters: PubMed 21859740 (cited by 4 submitters); PubMed 25351510 (cited by All of Us Research Program, National Institutes of Health and Color Diagnostics, LLC DBA Color Health); PubMed 27435932 (cited by All of Us Research Program, National Institutes of Health and Color Diagnostics, LLC DBA Color Health); PubMed 30847666 (cited by 3 submitters); PubMed 23396983 (cited by Ambry Genetics).